The following is an entry in ClinVar:

NM_002772.3(TMPRSS15):c.1655-2A>T

Gene: TMPRSS15 (transmembrane serine protease 15; minus strand). Cytogenetic location: 21q21.1.
Variant type: single nucleotide variant.
Coding change: c.1655-2A>T on transcript NM_002772.3 (MANE Select); the canonical splice acceptor site of the intron before coding-DNA position 1655, A replaced by T.
Molecular consequence: splice acceptor variant.
Genome position (GRCh38, 1-based): chr21:18,329,296, T>A on the plus strand (A>T on the coding strand, the complement: TMPRSS15 is on the minus strand). VCF-style: chr21-18329296-T-A. GRCh37 (hg19) VCF-style: chr21-19701613-T-A.
Other names: c.1655-2A>T (NM_001428057.1); c.1790-2A>T (NM_001428056.1).
Identifiers: ClinVar variation 3697940 (VCV003697940.2).

ClinVar aggregate classification (germline): Likely pathogenic (1 of 4 stars; one submission).

gnomAD v4.1: 16 of 1,608,152 alleles (0.00099%); highest among the groups gnomAD compares: Non-Finnish European, 0.0013%; no homozygotes.

Submission:

Labcorp Genetics (formerly Invitae), Labcorp
Classification: Likely pathogenic. Last evaluated: 2024-08-14. Review status: criteria provided, single submitter. Criteria: Invitae Variant Classification Sherloc (09022015). Collection method: clinical testing. Allele origin: germline.
Comment: This sequence change affects an acceptor splice site in intron 14 of the TMPRSS15 gene. It is expected to disrupt RNA splicing. Variants that disrupt the donor or acceptor splice site typically lead to a loss of protein function (PMID: 16199547), and loss-of-function variants in TMPRSS15 are known to be pathogenic (PMID: 11719902). This variant is present in population databases (rs777927429, gnomAD 0.003%). This variant has not been reported in the literature in individuals affected with TMPRSS15-related conditions. Algorithms developed to predict the effect of sequence changes on RNA splicing suggest that this variant may disrupt the consensus splice site. In summary, the currently available evidence indicates that the variant is pathogenic, but additional data are needed to prove that conclusively. Therefore, this variant has been classified as Likely Pathogenic.

Literature cited by the submitters: PubMed 16199547; PubMed 11719902.